The following is an entry in ClinVar:

ClinVar aggregate classification (germline): Benign (0 of 4 stars; one submission).

Conditions:
NAV2-related disorder. Also called: NAV2-related condition.

Allele frequency attached by ClinVar (database versions not stated): gnomAD exomes 0.00118; ExAC 0.00431; gnomAD 0.01296; 1000 Genomes Project 0.01438; TOPMed 0.01438; ESP Exome Variant Server 0.01510; 1000 Genomes Project 30x 0.01515.
gnomAD v4.1: 3,726 of 1,597,818 alleles (0.23%); highest among the groups gnomAD compares: African/African-American, 4.4%; 95 homozygotes.

Submission:

PreventionGenetics, part of Exact Sciences
Classification: Benign for NAV2-related condition. Last evaluated: 2019-11-26. Review status: no assertion criteria provided. Collection method: clinical testing. Allele origin: germline.
Comment: This variant is classified as benign based on ACMG/AMP sequence variant interpretation guidelines (Richards et al. 2015 PMID: 25741868, with internal and published modifications).

NM_145117.5(NAV2):c.2292G>A (p.Thr764=)

Gene: NAV2 (neuron navigator 2; plus strand). Cytogenetic location: 11p15.1.
Variant type: single nucleotide variant.
Coding change: c.2292G>A on transcript NM_145117.5 (MANE Select); coding-DNA position 2292, G replaced by A.
Protein change: p.Thr764=; no amino-acid change (threonine 764 retained).
Molecular consequence: synonymous variant.
Genome position (GRCh38, 1-based): chr11:19,948,727, G>A. VCF-style: chr11-19948727-G-A. GRCh37 (hg19) VCF-style: chr11-19970273-G-A.
Other names: c.2100G>A, p.Thr700= (NM_001111018.2); c.2361G>A, p.Thr787= (NM_001244963.2); c.2292G>A, p.Thr764= (NM_182964.6).
Identifiers: ClinVar variation 3042260 (VCV003042260.2), dbSNP rs61976957, ClinGen allele CA5918108.